The following is an entry in ClinVar:

ClinVar aggregate classification (germline): Likely benign (1 of 4 stars; one submission).

Conditions:
PEX19-related disorder. Also called: PEX19-related condition.

gnomAD v4.1: 2 of 1,613,976 alleles (0.00012%); highest among the groups gnomAD compares: African/African-American, 0.0013%; no homozygotes.

Submission:

PreventionGenetics, part of Exact Sciences
Classification: Likely benign for PEX19-related condition. Last evaluated: 2026-04-28. Review status: criteria provided, single submitter. Criteria: ACMG Guidelines, 2015. Collection method: clinical testing. Allele origin: germline.
Comment: This variant is classified as likely benign based on ACMG/AMP sequence variant interpretation guidelines (Richards et al. 2015 PMID: 25741868, with internal and published modifications).

NM_002857.4(PEX19):c.42G>A (p.Ala14=)

Gene: PEX19 (peroxisomal biogenesis factor 19; minus strand). Cytogenetic location: 1q23.2.
Variant type: single nucleotide variant.
Coding change: c.42G>A on transcript NM_002857.4 (MANE Select); coding-DNA position 42, G replaced by A.
Protein change: p.Ala14=; no amino-acid change (alanine 14 retained).
Molecular consequence: synonymous variant. On other transcripts: non-coding transcript variant (2).
Genome position (GRCh38, 1-based): chr1:160,285,083, C>T on the plus strand (G>A on the coding strand, the complement: PEX19 is on the minus strand). VCF-style: chr1-160285083-C-T. GRCh37 (hg19) VCF-style: chr1-160254873-C-T.
Other names: c.42G>A, p.Ala14= (NM_001193644.1).
Identifiers: ClinVar variation 4992174 (VCV004992174.1).
Genomic context (GRCh38, chr1:160,285,083, plus strand): 5'-CTCTTCGGGCCTTTCCCACTATGGGCTCTTACTTTCCAGAAGCTCCTCCAATTCCCTGTC[C>T]GCTTCGGCCCCGACACTACAGCCTTCCTCAGCGGCGGCCATCTTGCTACCTCCGACTTGC-3'
Protein context (NP_002848.1, residues 4-24): AEEGCSVGAE[Ala14=]DRELEELLES